The following is an entry in ClinVar:

NM_001005361.3(DNM2):c.2135C>T (p.Ser712Leu)

Gene: DNM2 (dynamin 2; plus strand). Cytogenetic location: 19p13.2.
Variant type: single nucleotide variant.
Coding change: c.2135C>T on transcript NM_001005361.3 (MANE Select); coding-DNA position 2135, C replaced by T.
Protein change: p.Ser712Leu; replaces serine 712 with leucine.
Molecular consequence: missense variant.
Genome position (GRCh38, 1-based): chr19:10,829,112, C>T. VCF-style: chr19-10829112-C-T. GRCh37 (hg19) VCF-style: chr19-10939788-C-T.
Other names: c.2135C>T, p.Ser712Leu (NM_001005360.3, NM_001190716.2); c.2123C>T, p.Ser708Leu (NM_001005362.3, NM_004945.4); short protein forms S708L, S712L.
Identifiers: ClinVar variation 1368758 (VCV001368758.6), dbSNP rs763393555, ClinGen allele CA9201529.

ClinVar aggregate classification (germline): Uncertain significance (1 of 4 stars; one submission).

Conditions:
Charcot-Marie-Tooth disease dominant intermediate B (CMTDIB). Also called: CHARCOT-MARIE-TOOTH NEUROPATHY, DOMINANT INTERMEDIATE B; Charcot-Marie-Tooth disease dominant intermediate 1; CMT DI1; Charcot-Marie-Tooth disease dominant intermediate I. Identifiers: Orphanet 100044, Orphanet 228179, MedGen C1847902, MONDO:0011674, OMIM 606482.

Allele frequency attached by ClinVar (database versions not stated): TOPMed below 0.00001; ExAC 0.00001; gnomAD exomes 0.00001.

Submission:

Labcorp Genetics (formerly Invitae), Labcorp
Classification: Uncertain significance for Charcot-Marie-Tooth disease dominant intermediate B. Last evaluated: 2025-08-19. Review status: criteria provided, single submitter. Criteria: Invitae Variant Classification Sherloc (09022015). Collection method: clinical testing. Allele origin: germline.
Comment: This sequence change replaces serine, which is neutral and polar, with leucine, which is neutral and non-polar, at codon 712 of the DNM2 protein (p.Ser712Leu). The frequency data for this variant in the population databases is considered unreliable, as metrics indicate poor data quality at this position in the gnomAD database. This variant has not been reported in the literature in individuals affected with DNM2-related conditions. ClinVar contains an entry for this variant (Variation ID: 1368758). Invitae Evidence Modeling of protein sequence and biophysical properties (such as structural, functional, and spatial information, amino acid conservation, physicochemical variation, residue mobility, and thermodynamic stability) indicates that this missense variant is expected to disrupt DNM2 protein function with a positive predictive value of 80%. In summary, the available evidence is currently insufficient to determine the role of this variant in disease. Therefore, it has been classified as a Variant of Uncertain Significance.